The following is an entry in ClinVar:

NM_018127.7(ELAC2):c.2374G>A (p.Ala792Thr)

Gene: ELAC2 (elaC ribonuclease Z 2; minus strand). Cytogenetic location: 17p12.
Variant type: single nucleotide variant.
Coding change: c.2374G>A on transcript NM_018127.7 (MANE Select); coding-DNA position 2374, G replaced by A.
Protein change: p.Ala792Thr; replaces alanine 792 with threonine.
Molecular consequence: missense variant.
Genome position (GRCh38, 1-based): chr17:12,992,925, C>T on the plus strand (G>A on the coding strand, the complement: ELAC2 is on the minus strand). VCF-style: chr17-12992925-C-T. GRCh37 (hg19) VCF-style: chr17-12896242-C-T.
Other names: c.2254G>A, p.Ala752Thr (NM_001165962.2); c.2371G>A, p.Ala791Thr (NM_173717.2); short protein forms A791T, A752T, A792T.
Identifiers: ClinVar variation 1515771 (VCV001515771.5), dbSNP rs1567738119, ClinGen allele CA398222209.

ClinVar aggregate classification (germline): Uncertain significance (1 of 4 stars; one submission).

Conditions:
Combined oxidative phosphorylation defect type 17. Also called: Combined oxidative phosphorylation deficiency 17. Identifiers: Orphanet 369913, MedGen C3809526, MONDO:0014190, OMIM 615440.

Allele frequency attached by ClinVar (database versions not stated): gnomAD exomes below 0.00001; TOPMed below 0.00001.
gnomAD v4.1: 2 of 1,611,368 alleles (0.00012%); highest among the groups gnomAD compares: Admixed American, 0.0017%; no homozygotes.

Submission:

Labcorp Genetics (formerly Invitae), Labcorp
Classification: Uncertain significance for Combined oxidative phosphorylation defect type 17. Last evaluated: 2024-06-17. Review status: criteria provided, single submitter. Criteria: Invitae Variant Classification Sherloc (09022015). Collection method: clinical testing. Allele origin: germline.
Comment: This sequence change replaces alanine, which is neutral and non-polar, with threonine, which is neutral and polar, at codon 792 of the ELAC2 protein (p.Ala792Thr). This variant is present in population databases (no rsID available, gnomAD 0.003%). This variant has not been reported in the literature in individuals affected with ELAC2-related conditions. ClinVar contains an entry for this variant (Variation ID: 1515771). Algorithms developed to predict the effect of missense changes on protein structure and function output the following: SIFT: "Not Available"; PolyPhen-2: "Benign"; Align-GVGD: "Not Available". The threonine amino acid residue is found in multiple mammalian species, which suggests that this missense change does not adversely affect protein function. In summary, the available evidence is currently insufficient to determine the role of this variant in disease. Therefore, it has been classified as a Variant of Uncertain Significance.